The following is an entry in ClinVar:

ClinVar aggregate classification (germline): Conflicting classifications of pathogenicity. Review status: criteria provided, conflicting classifications (1 of 4 stars). 2 submissions from 2 submitters: Likely pathogenic (1); Uncertain significance (1). Last evaluated 2023-12-01.

Conditions:
Episodic ataxia type 1 (EA1). Also called: Episodic ataxia/myokymia syndrome; ATAXIA, EPISODIC, WITH MYOKYMIA; MYOKYMIA WITH PERIODIC ATAXIA; PAROXYSMAL ATAXIA WITH NEUROMYOTONIA, HEREDITARY. Identifiers: Orphanet 37612, Orphanet 972, MedGen C1719788, MONDO:0008047, OMIM 160120.

Submissions (2):

Illumina Laboratory Services, Illumina
Classification: Likely pathogenic for Episodic ataxia type 1. Last evaluated: 2023-12-01. Review status: criteria provided, single submitter. Criteria: ICSLVariantClassificationCriteria RUGD 01 April 2020. Collection method: clinical testing. Allele origin: unknown.
Comment: The KCNA1 c.1201G>A p.(Ala401Thr) missense variant has not, to our knowledge, been reported in the peer-reviewed literature. This variant is located in a known hotspot and is not observed in version 2.1.1 or version 4.0.0 of the Genome Aggregation Database. A different amino acid substitution at the same codon, p.(Ala401Val), has been classified as likely pathogenic or pathogenic by two submitters in ClinVar. Multiple lines of computational evidence suggest the variant may impact the gene or gene product. This variant segregates with the disease phenotype in this family. Based on the available evidence, the c.1201G>A p.(Ala401Thr) variant is classified as likely pathogenic for episodic ataxia type 1.

Labcorp Genetics (formerly Invitae), Labcorp
Classification: Uncertain significance for Episodic ataxia type 1. Last evaluated: 2021-03-28. Review status: criteria provided, single submitter. Criteria: Invitae Variant Classification Sherloc (09022015). Collection method: clinical testing. Allele origin: germline.
Comment: In summary, the available evidence is currently insufficient to determine the role of this variant in disease. Therefore, it has been classified as a Variant of Uncertain Significance. Advanced modeling of protein sequence and biophysical properties (such as structural, functional, and spatial information, amino acid conservation, physicochemical variation, residue mobility, and thermodynamic stability) performed at Invitae indicates that this missense variant is expected to disrupt KCNA1 protein function. This variant has not been reported in the literature in individuals with KCNA1-related conditions. This variant is not present in population databases (ExAC no frequency). This sequence change replaces alanine with threonine at codon 401 of the KCNA1 protein (p.Ala401Thr). The alanine residue is highly conserved and there is a small physicochemical difference between alanine and threonine.

NM_000217.3(KCNA1):c.1201G>A (p.Ala401Thr)

Gene: KCNA1 (potassium voltage-gated channel subfamily A member 1; plus strand). Cytogenetic location: 12p13.32.
Variant type: single nucleotide variant.
Coding change: c.1201G>A on transcript NM_000217.3 (MANE Select); coding-DNA position 1201, G replaced by A.
Protein change: p.Ala401Thr; replaces alanine 401 with threonine.
Molecular consequence: missense variant.
Genome position (GRCh38, 1-based): chr12:4,912,579, G>A. VCF-style: chr12-4912579-G-A. GRCh37 (hg19) VCF-style: chr12-5021745-G-A.
Other names: short protein forms A401T.
Identifiers: ClinVar variation 1475172 (VCV001475172.9), dbSNP rs2137673966, ClinGen allele CA383456261.